The following is an entry in ClinVar:

ClinVar aggregate classification (germline): Uncertain significance (1 of 4 stars; one submission).

Conditions:
Primary immunodeficiency with post-measles-mumps-rubella vaccine viral infection. Also called: Immunodeficiency 44. Identifiers: Orphanet 431166, MedGen C4225260, MONDO:0014715, OMIM 616636.

gnomAD v4.1: 4 of 1,611,152 alleles (0.00025%); highest among the groups gnomAD compares: Middle Eastern, 0.016%; no homozygotes.

Submission:

Labcorp Genetics (formerly Invitae), Labcorp
Classification: Uncertain significance for Primary immunodeficiency with post-measles-mumps-rubella vaccine viral infection. Last evaluated: 2019-11-06. Review status: criteria provided, single submitter. Criteria: Invitae Variant Classification Sherloc (09022015). Collection method: clinical testing. Allele origin: germline.
Comment: In summary, the available evidence is currently insufficient to determine the role of this variant in disease. Therefore, it has been classified as a Variant of Uncertain Significance. Algorithms developed to predict the effect of missense changes on protein structure and function are either unavailable or do not agree on the potential impact of this missense change (SIFT: "Tolerated"; PolyPhen-2: "Possibly Damaging"; Align-GVGD: "Class C0"). This variant has not been reported in the literature in individuals with STAT2-related conditions. This variant is not present in population databases (ExAC no frequency). This sequence change replaces glutamine with histidine at codon 45 of the STAT2 protein (p.Gln45His). The glutamine residue is moderately conserved and there is a small physicochemical difference between glutamine and histidine.

NM_005419.4(STAT2):c.135G>T (p.Gln45His)

Gene: STAT2 (signal transducer and activator of transcription 2; minus strand). Cytogenetic location: 12q13.3.
Variant type: single nucleotide variant.
Coding change: c.135G>T on transcript NM_005419.4 (MANE Select); coding-DNA position 135, G replaced by T.
Protein change: p.Gln45His; replaces glutamine 45 with histidine.
Molecular consequence: missense variant.
Genome position (GRCh38, 1-based): chr12:56,356,282, C>A on the plus strand (G>T on the coding strand, the complement: STAT2 is on the minus strand). VCF-style: chr12-56356282-C-A. GRCh37 (hg19) VCF-style: chr12-56750066-C-A.
Other names: c.135G>T, p.Gln45His (NM_198332.2); short protein forms Q45H.
Identifiers: ClinVar variation 971291 (VCV000971291.7), dbSNP rs1879498369, ClinGen allele CA385264032.